The following is an entry in ClinVar:

NM_201548.5(CERKL):c.490_493del (p.Asn164fs)

Gene: CERKL (CERK like autophagy regulator; minus strand). Cytogenetic location: 2q31.3.
Variant type: Deletion.
Coding change: c.490_493del on transcript NM_201548.5 (MANE Select); coding-DNA positions 490 to 493, 4 bases deleted (AACA; older notation c.490_493delAACA).
Protein change: p.Asn164fs; shifts the reading frame from asparagine 164.
Molecular consequence: frameshift variant. On other transcripts: non-coding transcript variant (1), intron variant (2).
Genome position (GRCh38, 1-based): chr2:181,573,873-181,573,876, TGTT deleted on the plus strand (AACA on the coding strand, the reverse complement: CERKL is on the minus strand); deleting any 4 consecutive bases within chr2:181,573,873-181,573,878 gives the same sequence; the c. name uses the placement nearest the transcript's 3' end. VCF-style (leftmost placement, unchanged base first): chr2-181573872-CTGTT-C. GRCh37 (hg19) VCF-style: chr2-182438599-CTGTT-C.
Other names: c.490_493del, p.Asn164fs (NM_001030311.3, NM_001030313.3); c.482-24168_482-24165del (NM_001030312.3); c.482-7755_482-7752del (NM_001160277.2); short protein forms N164fs.
Identifiers: ClinVar variation 1457367 (VCV001457367.6), dbSNP rs2105846763, ClinGen allele CA2573134256.
Genomic context (GRCh38, chr2:181,573,872, plus strand): 5'-ACCTGGGTAGCTTCTTTTTTGTGACTTTGGGGGTTAAGGAGTATTTTTAATGACTTCGGT[CTGTT>C]TGGAAAGCCTAAGAAGAAATTTTAAAGACAAAGTTGTAAAGTCCTTGTCATCATTTTTTT-3'

ClinVar aggregate classification (germline): Pathogenic (1 of 4 stars; one submission).

Submission:

Labcorp Genetics (formerly Invitae), Labcorp
Classification: Pathogenic. Last evaluated: 2021-06-23. Review status: criteria provided, single submitter. Criteria: Invitae Variant Classification Sherloc (09022015). Collection method: clinical testing. Allele origin: germline.
Comment: For these reasons, this variant has been classified as Pathogenic. This variant has not been reported in the literature in individuals with CERKL-related conditions. This variant is not present in population databases (ExAC no frequency). This sequence change creates a premature translational stop signal (p.Asn164Aspfs*5) in the CERKL gene. It is expected to result in an absent or disrupted protein product. Loss-of-function variants in CERKL are known to be pathogenic (PMID: 14681825, 24043777).

Literature cited by the submitters: PubMed 14681825; PubMed 24043777.